The following is an entry in ClinVar:

ClinVar aggregate classification (germline): Benign. Review status: criteria provided, multiple submitters, no conflicts (2 of 4 stars). 9 submissions from 9 submitters: Benign (6). 3 of the submissions do not count toward it. Last evaluated 2026-01-26.

Conditions:
SYNE2-related disorder. Also called: SYNE2-related condition.
Emery-Dreifuss muscular dystrophy 5, autosomal dominant (EDMD5). Also called: EMERY-DREIFUSS MUSCULAR DYSTROPHY 5. Identifiers: Orphanet 261, MedGen C2751805, MONDO:0013072, OMIM 612999.

Allele frequency attached by ClinVar (database versions not stated): gnomAD exomes 0.02421; ExAC 0.02430; ESP Exome Variant Server 0.02650; gnomAD 0.03019 and 0.03124; TOPMed 0.03093; 1000 Genomes Project 30x 0.03888; 1000 Genomes Project 0.03934.
gnomAD v4.1: 31,268 of 1,614,150 alleles (1.9%); highest among the groups gnomAD compares: East Asian, 6.2%; 496 homozygotes.

Submissions (9):

Labcorp Genetics (formerly Invitae), Labcorp
Classification: Benign for Emery-Dreifuss muscular dystrophy 5, autosomal dominant. Last evaluated: 2026-01-26. Review status: criteria provided, single submitter. Criteria: Invitae Variant Classification Sherloc (09022015). Collection method: clinical testing. Allele origin: germline.

PreventionGenetics, part of Exact Sciences
Classification: Benign for SYNE2-related condition. Last evaluated: 2025-02-11. Review status: criteria provided, single submitter. Criteria: ACMG Guidelines, 2015. Collection method: clinical testing. Allele origin: germline.
Comment: This variant is classified as benign based on ACMG/AMP sequence variant interpretation guidelines (Richards et al. 2015 PMID: 25741868, with internal and published modifications).

Athena Diagnostics
Classification: Benign. Last evaluated: 2024-02-06. Review status: criteria provided, single submitter. Criteria: Athena Diagnostics Criteria. Collection method: clinical testing. Allele origin: unknown.

GeneDx
Classification: Benign. Last evaluated: 2018-09-06. Review status: criteria provided, single submitter. Criteria: GeneDx Variant Classification Process June 2021. Collection method: clinical testing. Allele origin: germline. Affected: yes.

Illumina Laboratory Services, Illumina
Classification: Benign for Emery-Dreifuss muscular dystrophy 5, autosomal dominant. Last evaluated: 2018-01-12. Review status: criteria provided, single submitter. Criteria: ICSL Variant Classification Criteria 13 December 2019. Collection method: clinical testing. Allele origin: germline.
Comment: This variant was observed in the ICSL laboratory as part of a predisposition screen in an ostensibly healthy population. It had not been previously curated by ICSL or reported in the Human Gene Mutation Database (HGMD: prior to June 1st, 2018), and was therefore a candidate for classification through an automated scoring system. Utilizing variant allele frequency, disease prevalence and penetrance estimates, and inheritance mode, an automated score was calculated to assess if this variant is too frequent to cause the disease. Based on the score and internal cut-off values, a variant classified as benign is not then subjected to further curation. The score for this variant resulted in a classification of benign for this disease.

Breakthrough Genomics
Classification: Benign. Review status: criteria provided, single submitter. Criteria: ACMG Guidelines, 2015. Collection method: not provided. Allele origin: germline. Inheritance: Autosomal dominant inheritance. Affected: yes.

Genetic Services Laboratory, University of Chicago
Classification: Likely benign for AllHighlyPenetrant. Review status: no assertion criteria provided. Collection method: clinical testing. Allele origin: germline. Inheritance: Autosomal dominant inheritance. Not counted in ClinVar's aggregate classification.
Comment: Likely benign based on allele frequency in 1000 Genomes Project or ESP global frequency and its presence in a patient with a rare or unrelated disease phenotype. NOT Sanger confirmed.

Genome Diagnostics Laboratory, University Medical Center Utrecht
Classification: Likely benign. Review status: no assertion criteria provided. Collection method: clinical testing. Allele origin: germline. Affected: yes. Study: VKGL Data-share Consensus. Not counted in ClinVar's aggregate classification.

Laboratory of Diagnostic Genome Analysis, Leiden University Medical Center (LUMC)
Classification: Likely benign. Review status: no assertion criteria provided. Collection method: clinical testing. Allele origin: germline. Affected: yes. Study: VKGL Data-share Consensus. Not counted in ClinVar's aggregate classification.

NM_182914.3(SYNE2):c.10567A>C (p.Lys3523Gln)

Gene: SYNE2 (spectrin repeat containing nuclear envelope protein 2; plus strand). Cytogenetic location: 14q23.2.
Variant type: single nucleotide variant.
Coding change: c.10567A>C on transcript NM_182914.3 (MANE Select); coding-DNA position 10567, A replaced by C.
Protein change: p.Lys3523Gln; replaces lysine 3523 with glutamine.
Molecular consequence: missense variant.
Genome position (GRCh38, 1-based): chr14:64,070,780, A>C. VCF-style: chr14-64070780-A-C. GRCh37 (hg19) VCF-style: chr14-64537498-A-C.
Other names: c.10567A>C, p.Lys3523Gln (NM_015180.6); short protein forms K3523Q.
Identifiers: ClinVar variation 130456 (VCV000130456.25), dbSNP rs35203186, ClinGen allele CA155502.